The following is an entry in ClinVar:

NM_198578.4(LRRK2):c.3022G>A (p.Val1008Ile)

Gene: LRRK2 (leucine rich repeat kinase 2; plus strand). Cytogenetic location: 12q12.
Variant type: single nucleotide variant.
Coding change: c.3022G>A on transcript NM_198578.4 (MANE Select); coding-DNA position 3022, G replaced by A.
Protein change: p.Val1008Ile; replaces valine 1008 with isoleucine.
Molecular consequence: missense variant.
Genome position (GRCh38, 1-based): chr12:40,295,570, G>A. VCF-style: chr12-40295570-G-A. GRCh37 (hg19) VCF-style: chr12-40689372-G-A.
Other names: short protein forms V1008I.
Identifiers: ClinVar variation 1798936 (VCV001798936.2), dbSNP rs752631377, ClinGen allele CA6513802.

ClinVar aggregate classification (germline): Uncertain significance (1 of 4 stars; one submission).

Conditions:
Inborn genetic diseases. Identifiers: MedGen C0950123, MeSH D030342.

Allele frequency attached by ClinVar (database versions not stated): ExAC 0.00001; TOPMed 0.00001.
gnomAD v4.1: 3 of 1,614,014 alleles (0.00019%); highest among the groups gnomAD compares: Admixed American, 0.0017%; no homozygotes.

Submission:

Ambry Genetics
Classification: Uncertain significance for Inborn genetic diseases. Last evaluated: 2024-01-03. Review status: criteria provided, single submitter. Criteria: Ambry Variant Classification Scheme 2023. Collection method: clinical testing. Allele origin: germline.
Comment: The p.V1008I variant (also known as c.3022G>A), located in coding exon 23 of the LRRK2 gene, results from a G to A substitution at nucleotide position 3022. The valine at codon 1008 is replaced by isoleucine, an amino acid with highly similar properties. This amino acid position is conserved. In addition, this alteration is predicted to be tolerated by in silico analysis. Since supporting evidence is limited at this time, the clinical significance of this alteration remains unclear.